The following is an entry in ClinVar:

ClinVar aggregate classification (germline): Uncertain significance (0 of 4 stars; one submission).

Conditions:
INPP5E-related disorder. Also called: INPP5E-related condition.

Submission:

PreventionGenetics, part of Exact Sciences
Classification: Uncertain significance for INPP5E-related condition. Last evaluated: 2024-08-07. Review status: no assertion criteria provided. Collection method: clinical testing. Allele origin: germline.
Comment: The INPP5E c.647T>A variant is predicted to result in the amino acid substitution p.Leu216His. To our knowledge, this variant has not been reported in the literature or in a large population database, indicating this variant is rare. At this time, the clinical significance of this variant is uncertain due to the absence of conclusive functional and genetic evidence.

NM_019892.6(INPP5E):c.647T>A (p.Leu216His)

Gene: INPP5E (inositol polyphosphate-5-phosphatase E; minus strand). Cytogenetic location: 9q34.3.
Variant type: single nucleotide variant.
Coding change: c.647T>A on transcript NM_019892.6 (MANE Select); coding-DNA position 647, T replaced by A.
Protein change: p.Leu216His; replaces leucine 216 with histidine.
Molecular consequence: missense variant.
Genome position (GRCh38, 1-based): chr9:136,438,773, A>T on the plus strand (T>A on the coding strand, the complement: INPP5E is on the minus strand). VCF-style: chr9-136438773-A-T. GRCh37 (hg19) VCF-style: chr9-139333225-A-T.
Other names: c.647T>A, p.Leu216His (NM_001318502.2); short protein forms L216H.
Identifiers: ClinVar variation 3347406 (VCV003347406.1).